The following is an entry in ClinVar:

NM_003126.4(SPTA1):c.178C>T (p.Arg60Ter)

Gene: SPTA1 (spectrin alpha, erythrocytic 1; minus strand). Cytogenetic location: 1q23.1.
Variant type: single nucleotide variant.
Coding change: c.178C>T on transcript NM_003126.4 (MANE Select); coding-DNA position 178, C replaced by T.
Protein change: p.Arg60Ter; replaces arginine 60 with a stop codon.
Molecular consequence: nonsense.
Genome position (GRCh38, 1-based): chr1:158,685,194, G>A on the plus strand (C>T on the coding strand, the complement: SPTA1 is on the minus strand). VCF-style: chr1-158685194-G-A. GRCh37 (hg19) VCF-style: chr1-158654984-G-A.
Other names: short protein forms R60*.
Identifiers: ClinVar variation 1163172 (VCV001163172.13), dbSNP rs373695294, ClinGen allele CA1184242.

ClinVar aggregate classification (germline): Pathogenic/Likely pathogenic. Review status: criteria provided, multiple submitters, no conflicts (2 of 4 stars). 6 submissions from 6 submitters: Pathogenic (4); Likely pathogenic (2). Last evaluated 2025-12-31.

Conditions:
SPTA1-related disorder. Also called: SPTA1-related condition; SPTA1-related disorders.
Pyropoikilocytosis, hereditary. Also called: Pyropoikilocytosis. Identifiers: MedGen C0520739, MONDO:0009948, OMIM 266140, HP:0004839. Disease mechanism: loss of function.
Hereditary spherocytosis type 3. Also called: Spherocytosis type 3; SPTA1-Related Spherocytosis. Identifiers: Orphanet 822, MedGen C2678338, MONDO:0010053, OMIM 270970.
Elliptocytosis 2 (EL2). Also called: ELLIPTOCYTOSIS, RHESUS-UNLINKED TYPE. Identifiers: Orphanet 288, MedGen C1851741, MONDO:0007533, OMIM 130600.

Allele frequency attached by ClinVar (database versions not stated): gnomAD 0.00001; TOPMed 0.00001; ESP Exome Variant Server 0.00008.
gnomAD v4.1: 11 of 1,613,404 alleles (0.00068%); highest among the groups gnomAD compares: East Asian, 0.0022%; no homozygotes.

Submissions (6):

PreventionGenetics, part of Exact Sciences
Classification: Pathogenic for SPTA1-related condition. Last evaluated: 2025-12-31. Review status: criteria provided, single submitter. Criteria: ACMG Guidelines, 2015. Collection method: clinical testing. Allele origin: germline.
Comment: The SPTA1 c.178C>T variant is predicted to result in premature protein termination (p.Arg60*). This variant has been reported along with a second truncating SPTA1 variant in one individual with transfusion dependent anemia (Gallagher et al. 2019. PubMed ID: 31038472). This variant is reported in 0.00090% of alleles in individuals of European (Non-Finnish) descent in gnomAD. Nonsense variants in SPTA1 are expected to be pathogenic. This variant is interpreted as pathogenic.

Labcorp Genetics (formerly Invitae), Labcorp
Classification: Pathogenic. Last evaluated: 2025-09-10. Review status: criteria provided, single submitter. Criteria: Invitae Variant Classification Sherloc (09022015). Collection method: clinical testing. Allele origin: germline.
Comment: This sequence change creates a premature translational stop signal (p.Arg60*) in the SPTA1 gene. It is expected to result in an absent or disrupted protein product. Loss-of-function variants in SPTA1 are known to be pathogenic (PMID: 9192783, 18815189, 31333484, 31723846, 32266426). The frequency data for this variant in the population databases is considered unreliable, as metrics indicate poor data quality at this position in the gnomAD database. This premature translational stop signal has been observed in individual(s) with autosomal recessive congenital hemolytic anemia (PMID: 31038472). ClinVar contains an entry for this variant (Variation ID: 1163172). Algorithms developed to predict the effect of sequence changes on RNA splicing suggest that this variant may disrupt the consensus splice site. For these reasons, this variant has been classified as Pathogenic.

ARUP Laboratories, Molecular Genetics and Genomics, ARUP Laboratories
Classification: Likely pathogenic. Last evaluated: 2025-05-22. Review status: criteria provided, single submitter. Criteria: ARUP Molecular Germline Variant Investigation Process 2024. Collection method: clinical testing. Allele origin: germline.
Comment: The SPTA1 c.178C>T; p.Arg60Ter variant (rs373695294, ClinVar Variation ID 1163172) is reported as a compound heterozygote in one individual with transfusion-dependent anemia (Gallagher 2019). This variant is only observed on one allele in the Genome Aggregation Database (v2.1.1), indicating it is not a common polymorphism. This variant induces an early termination codon and is predicted to result in a truncated protein or mRNA subject to nonsense-mediated decay. Based on available information, this variant is considered to be likely pathogenic. References: Gallagher PG et al. Aberrant splicing contributes to severe alpha-spectrin-linked congenital hemolytic anemia. J Clin Invest. 2019 Apr 30. PMID: 31038472

Blueprint Genetics
Classification: Likely pathogenic for SPTA1-related disorders. Last evaluated: 2024-09-09. Review status: criteria provided, single submitter. Criteria: ACMG Guidelines, 2015. Collection method: clinical testing. Allele origin: germline. Affected: yes. Observed: 2 variant alleles.

Mayo Clinic Laboratories, Mayo Clinic
Classification: Pathogenic. Last evaluated: 2020-01-18. Review status: criteria provided, single submitter. Criteria: ACMG Guidelines, 2015. Collection method: clinical testing. Allele origin: germline. Observed: 1 variant allele.
Comment: PVS1, PM2, PP5

Juno Genomics, Hangzhou Juno Genomics, Inc
Classification: Pathogenic for Elliptocytosis 2; Pyropoikilocytosis, hereditary; Hereditary spherocytosis type 3. Review status: criteria provided, single submitter. Criteria: ACMG Guidelines, 2015. Collection method: clinical testing. Allele origin: germline. Affected: yes.
Comment: Absent from controls (or at extremely low frequency if recessive) in Genome Aggregation Database, Exome Sequencing Project, 1000 Genomes Project, or Exome Aggregation Consortium.;Null variant in a gene where loss of function (LOF) is a known mechanism of disease.;For recessive disorders, detected in trans with a pathogenic variant.

Literature cited by the submitters: PubMed 9192783 (cited by Labcorp Genetics (formerly Invitae), Labcorp); PubMed 18815189 (cited by Labcorp Genetics (formerly Invitae), Labcorp); PubMed 31333484 (cited by Labcorp Genetics (formerly Invitae), Labcorp); PubMed 31723846 (cited by Labcorp Genetics (formerly Invitae), Labcorp); PubMed 32266426 (cited by Labcorp Genetics (formerly Invitae), Labcorp); PubMed 31038472 (cited by Labcorp Genetics (formerly Invitae), Labcorp and Mayo Clinic Laboratories, Mayo Clinic).